The following is an entry in ClinVar:

ClinVar aggregate classification (germline): Benign/Likely benign. Review status: criteria provided, multiple submitters, no conflicts (2 of 4 stars). 4 submissions from 4 submitters: Benign (1); Likely benign (3). Last evaluated 2024-09-02.

Allele frequency attached by ClinVar (database versions not stated): gnomAD exomes 0.00039; ExAC 0.00054; 1000 Genomes Project 0.00100; 1000 Genomes Project 30x 0.00109; ESP Exome Variant Server 0.00155; gnomAD 0.00182 and 0.00199; TOPMed 0.00182.
gnomAD v4.1: 537 of 1,604,938 alleles (0.033%); highest among the groups gnomAD compares: African/African-American, 0.66%; 1 homozygote.

Submissions (4):

Blueprint Genetics
Classification: Likely benign. Last evaluated: 2024-09-02. Review status: criteria provided, single submitter. Criteria: ACMG Guidelines, 2015. Collection method: clinical testing. Allele origin: germline.

Women's Health and Genetics/Laboratory Corporation of America, LabCorp
Classification: Benign. Last evaluated: 2023-07-21. Review status: criteria provided, single submitter. Criteria: LabCorp Variant Classification Summary - May 2015. Collection method: clinical testing. Allele origin: germline.

GeneDx
Classification: Likely benign. Last evaluated: 2017-02-14. Review status: criteria provided, single submitter. Criteria: GeneDx Variant Classification (06012015). Collection method: clinical testing. Allele origin: germline. Affected: yes.
Comment: This variant is considered likely benign or benign based on one or more of the following criteria: it is a conservative change, it occurs at a poorly conserved position in the protein, it is predicted to be benign by multiple in silico algorithms, and/or has population frequency not consistent with disease.

PreventionGenetics, part of Exact Sciences
Classification: Likely benign. Review status: criteria provided, single submitter. Criteria: ACMG Guidelines, 2015. Collection method: clinical testing. Allele origin: germline.

NM_001999.4(FBN2):c.-17C>G

Gene: FBN2 (fibrillin 2; minus strand). Cytogenetic location: 5q23.3.
Variant type: single nucleotide variant.
Coding change: c.-17C>G on transcript NM_001999.4 (MANE Select); 17 bases upstream of the start codon, C replaced by G.
Molecular consequence: 5 prime UTR variant.
Genome position (GRCh38, 1-based): chr5:128,537,620, G>C on the plus strand (C>G on the coding strand, the complement: FBN2 is on the minus strand). VCF-style: chr5-128537620-G-C. GRCh37 (hg19) VCF-style: chr5-127873313-G-C.
Identifiers: ClinVar variation 258506 (VCV000258506.4), dbSNP rs372089451, ClinGen allele CA3396255.